The following is an entry in ClinVar:

ClinVar aggregate classification (germline): Uncertain significance. Review status: criteria provided, multiple submitters, no conflicts (2 of 4 stars). 2 submissions from 2 submitters: Uncertain significance (2). Last evaluated 2023-05-25.

Conditions:
FHL2-related disorder. Also called: FHL2-related condition.
Primary dilated cardiomyopathy (DCM). Also called: Dilated Cardiomyopathy. Identifiers: Orphanet 217604, MedGen C0007193, MeSH D002311, MONDO:0005021, HP:0001644. Inheritance: Various modes of inheritance.

Allele frequency attached by ClinVar (database versions not stated): TOPMed 0.00002; gnomAD exomes below 0.00001; ExAC 0.00002; gnomAD 0.00002.
gnomAD v4.1: 4 of 1,613,992 alleles (0.00025%); highest among the groups gnomAD compares: African/African-American, 0.0053%; no homozygotes.

Submissions (2):

PreventionGenetics, part of Exact Sciences
Classification: Uncertain significance for FHL2-related condition. Last evaluated: 2023-05-25. Review status: criteria provided, single submitter. Criteria: ACMG Guidelines, 2015. Collection method: clinical testing. Allele origin: germline.
Comment: The FHL2 c.4A>G variant is predicted to result in the amino acid substitution p.Thr2Ala. To our knowledge, this variant has not been reported in the literature. This variant is reported in 0.012% of alleles in individuals of African descent in gnomAD. At this time, the clinical significance of this variant is uncertain due to the absence of conclusive functional and genetic evidence.

Labcorp Genetics (formerly Invitae), Labcorp
Classification: Uncertain significance for Primary dilated cardiomyopathy. Last evaluated: 2022-10-09. Review status: criteria provided, single submitter. Criteria: Invitae Variant Classification Sherloc (09022015). Collection method: clinical testing. Allele origin: germline.
Comment: This sequence change replaces threonine, which is neutral and polar, with alanine, which is neutral and non-polar, at codon 2 of the FHL2 protein (p.Thr2Ala). This variant is present in population databases (rs750378109, gnomAD 0.01%). This variant has not been reported in the literature in individuals affected with FHL2-related conditions. Algorithms developed to predict the effect of missense changes on protein structure and function output the following: SIFT: "Deleterious"; PolyPhen-2: "Benign"; Align-GVGD: "Class C0". The alanine amino acid residue is found in multiple mammalian species, which suggests that this missense change does not adversely affect protein function. In summary, the available evidence is currently insufficient to determine the role of this variant in disease. Therefore, it has been classified as a Variant of Uncertain Significance.

NM_001318895.3(FHL2):c.4A>G (p.Thr2Ala)

Gene: FHL2 (four and a half LIM domains 2; minus strand). Cytogenetic location: 2q12.2.
Variant type: single nucleotide variant.
Coding change: c.4A>G on transcript NM_001318895.3 (MANE Select); coding-DNA position 4, A replaced by G.
Protein change: p.Thr2Ala; replaces threonine 2 with alanine.
Molecular consequence: missense variant. On other transcripts: 5 prime UTR variant (3).
Genome position (GRCh38, 1-based): chr2:105,386,513, T>C on the plus strand (A>G on the coding strand, the complement: FHL2 is on the minus strand). VCF-style: chr2-105386513-T-C. GRCh37 (hg19) VCF-style: chr2-106002970-T-C.
Other names: c.4A>G (NM_201555.1); c.4A>G, p.Thr2Ala (NM_001039492.3, NM_001318894.1, NM_001318896.2 and 4 more transcripts); c.-164A>G (NM_001318897.2, NM_001318898.2); c.-443A>G (NM_001318899.2); short protein forms T2A.
Identifiers: ClinVar variation 2041026 (VCV002041026.5), dbSNP rs750378109, ClinGen allele CA1814891.